The following is an entry in ClinVar:

ClinVar aggregate classification (germline): Likely benign (1 of 4 stars; one submission).

gnomAD v4.1: 1 of 1,613,630 alleles (0.000062%); highest among the groups gnomAD compares: African/African-American, 0.0013%; no homozygotes.

Submission:

CeGaT Center for Human Genetics Tuebingen
Classification: Likely benign. Last evaluated: 2026-09-01. Review status: criteria provided, single submitter. Criteria: CeGaT Center For Human Genetics Tuebingen Variant Classification Criteria Version 2. Collection method: clinical testing. Allele origin: germline. Affected: yes. Observed: 1 variant allele.
Comment: KCNN4: BP4, BP7

NM_002250.3(KCNN4):c.735C>T (p.Pro245=)

Gene: KCNN4 (potassium calcium-activated channel subfamily N member 4; minus strand). Cytogenetic location: 19q13.31.
Variant type: single nucleotide variant.
Coding change: c.735C>T on transcript NM_002250.3 (MANE Select); coding-DNA position 735, C replaced by T.
Protein change: p.Pro245=; no amino-acid change (proline 245 retained).
Molecular consequence: synonymous variant.
Genome position (GRCh38, 1-based): chr19:43,772,084, G>A on the plus strand (C>T on the coding strand, the complement: KCNN4 is on the minus strand). VCF-style: chr19-43772084-G-A. GRCh37 (hg19) VCF-style: chr19-44276236-G-A.
Identifiers: ClinVar variation 5041368 (VCV005041368.1).